The following is an entry in ClinVar:

ClinVar aggregate classification (germline): Uncertain significance (1 of 4 stars; one submission).

Conditions:
Inborn genetic diseases. Identifiers: MedGen C0950123, MeSH D030342.

Allele frequency attached by ClinVar (database versions not stated): ExAC 0.00001; gnomAD 0.00001.

Submission:

Ambry Genetics
Classification: Uncertain significance for Inborn genetic diseases. Last evaluated: 2024-03-03. Review status: criteria provided, single submitter. Criteria: Ambry Variant Classification Scheme 2023. Collection method: clinical testing. Allele origin: germline.
Comment: The p.L95I variant (also known as c.283C>A), located in coding exon 1 of the ACD gene, results from a C to A substitution at nucleotide position 283. The leucine at codon 95 is replaced by isoleucine, an amino acid with highly similar properties. This amino acid position is conserved. In addition, this alteration is predicted to be tolerated by in silico analysis. Based on the available evidence, the clinical significance of this alteration remains unclear.

NM_001082486.2(ACD):c.25C>A (p.Leu9Ile)

Gene: ACD (ACD shelterin complex subunit and telomerase recruitment factor; minus strand). Cytogenetic location: 16q22.1.
Variant type: single nucleotide variant.
Coding change: c.25C>A on transcript NM_001082486.2 (MANE Select); coding-DNA position 25, C replaced by A.
Protein change: p.Leu9Ile; replaces leucine 9 with isoleucine.
Molecular consequence: missense variant.
Genome position (GRCh38, 1-based): chr16:67,660,196, G>T on the plus strand (C>A on the coding strand, the complement: ACD is on the minus strand). VCF-style: chr16-67660196-G-T. GRCh37 (hg19) VCF-style: chr16-67694099-G-T.
Other names: c.25C>A, p.Leu9Ile (NM_001410884.1, NM_022914.3); short protein forms L9I.
Identifiers: ClinVar variation 3232664 (VCV003232664.1), dbSNP rs763204816, ClinGen allele CA8114846.